The following is an entry in ClinVar:

ClinVar aggregate classification (germline): Uncertain significance. Review status: criteria provided, multiple submitters, no conflicts (2 of 4 stars). 3 submissions from 3 submitters: Uncertain significance (3). Last evaluated 2024-11-09.

Conditions:
Cardiovascular phenotype. Identifiers: MedGen CN230736.
Hypertrophic cardiomyopathy. Also called: HYPERTROPHIC MYOCARDIOPATHY. Identifiers: Orphanet 217569, MedGen C0007194, MeSH D002312, MONDO:0005045, HP:0001639.

Allele frequency attached by ClinVar (database versions not stated): gnomAD exomes below 0.00001; TOPMed below 0.00001; gnomAD 0.00001.

Submissions (3):

Ambry Genetics
Classification: Uncertain significance for Cardiovascular phenotype. Last evaluated: 2024-11-09. Review status: criteria provided, single submitter. Criteria: Ambry Variant Classification Scheme 2023. Collection method: clinical testing. Allele origin: germline.

Labcorp Genetics (formerly Invitae), Labcorp
Classification: Uncertain significance for Hypertrophic cardiomyopathy. Last evaluated: 2022-03-21. Review status: criteria provided, single submitter. Criteria: Invitae Variant Classification Sherloc (09022015). Collection method: clinical testing. Allele origin: germline.
Comment: ClinVar contains an entry for this variant (Variation ID: 1040647). Algorithms developed to predict the effect of missense changes on protein structure and function are either unavailable or do not agree on the potential impact of this missense change (SIFT: "Deleterious"; PolyPhen-2: "Probably Damaging"; Align-GVGD: "Class C15"). In summary, the available evidence is currently insufficient to determine the role of this variant in disease. Therefore, it has been classified as a Variant of Uncertain Significance. This variant has not been reported in the literature in individuals affected with MYL3-related conditions. This sequence change replaces asparagine, which is neutral and polar, with tyrosine, which is neutral and polar, at codon 86 of the MYL3 protein (p.Asn86Tyr). This variant is not present in population databases (gnomAD no frequency).

GeneDx
Classification: Uncertain significance. Last evaluated: 2020-01-13. Review status: criteria provided, single submitter. Criteria: GeneDx Variant Classification Process June 2021. Collection method: clinical testing. Allele origin: germline. Affected: yes.
Comment: Has not been previously published as pathogenic or benign to our knowledge; Not observed in large population cohorts (Lek et al., 2016); In silico analysis, which includes protein predictors and evolutionary conservation, supports a deleterious effect

NM_000258.3(MYL3):c.256A>T (p.Asn86Tyr)

Gene: MYL3 (myosin light chain 3; minus strand). Cytogenetic location: 3p21.31.
Variant type: single nucleotide variant.
Coding change: c.256A>T on transcript NM_000258.3 (MANE Select); coding-DNA position 256, A replaced by T.
Protein change: p.Asn86Tyr; replaces asparagine 86 with tyrosine.
Molecular consequence: missense variant.
Genome position (GRCh38, 1-based): chr3:46,860,727, T>A on the plus strand (A>T on the coding strand, the complement: MYL3 is on the minus strand). VCF-style: chr3-46860727-T-A. GRCh37 (hg19) VCF-style: chr3-46902217-T-A.
Other names: short protein forms N86Y.
Identifiers: ClinVar variation 1040647 (VCV001040647.8), dbSNP rs1257328187, ClinGen allele CA352498078.
Genomic context (GRCh38, chr3:46,860,727, plus strand): 5'-GTGCACTACCTTCCTGTCTTGGCTTCCCCAGGACACGGAGCACTTCTGCCTGTGTGGGGT[T>A]CTGGCCCAGCGCCCGCAGGACATCCCCACACTGCCCGTAGGTGATCTTCATCTCACACTT-3'
Protein context (NP_000249.1, residues 76-96): CGDVLRALGQ[Asn86Tyr]PTQAEVLRVL